The following is an entry in ClinVar:

ClinVar aggregate classification (germline): Uncertain significance. Review status: criteria provided, multiple submitters, no conflicts (2 of 4 stars). 2 submissions from 2 submitters: Uncertain significance (2). Last evaluated 2024-06-24.

Allele frequency attached by ClinVar (database versions not stated): gnomAD 0.00002 and 0.00003; TOPMed 0.00004.

Submissions (2):

Women's Health and Genetics/Laboratory Corporation of America, LabCorp
Classification: Uncertain significance. Last evaluated: 2024-06-24. Review status: criteria provided, single submitter. Criteria: LabCorp Variant Classification Summary - May 2015. Collection method: clinical testing. Allele origin: germline.

Labcorp Genetics (formerly Invitae), Labcorp
Classification: Uncertain significance. Last evaluated: 2022-07-19. Review status: criteria provided, single submitter. Criteria: Invitae Variant Classification Sherloc (09022015). Collection method: clinical testing. Allele origin: germline.
Comment: This sequence change replaces lysine, which is basic and polar, with asparagine, which is neutral and polar, at codon 54 of the NDUFV1 protein (p.Lys54Asn). This variant is not present in population databases (gnomAD no frequency). This variant has not been reported in the literature in individuals affected with NDUFV1-related conditions. ClinVar contains an entry for this variant (Variation ID: 1436892). Advanced modeling of protein sequence and biophysical properties (such as structural, functional, and spatial information, amino acid conservation, physicochemical variation, residue mobility, and thermodynamic stability) performed at Invitae indicates that this missense variant is not expected to disrupt NDUFV1 protein function. In summary, the available evidence is currently insufficient to determine the role of this variant in disease. Therefore, it has been classified as a Variant of Uncertain Significance.

NM_007103.4(NDUFV1):c.162A>C (p.Lys54Asn)

Gene: NDUFV1 (NADH:ubiquinone oxidoreductase core subunit V1; plus strand). Cytogenetic location: 11q13.2.
Variant type: single nucleotide variant.
Coding change: c.162A>C on transcript NM_007103.4 (MANE Select); coding-DNA position 162, A replaced by C.
Protein change: p.Lys54Asn; replaces lysine 54 with asparagine.
Molecular consequence: missense variant.
Genome position (GRCh38, 1-based): chr11:67,608,558, A>C. VCF-style: chr11-67608558-A-C. GRCh37 (hg19) VCF-style: chr11-67376029-A-C.
Other names: c.135A>C, p.Lys45Asn (NM_001166102.2); short protein forms K54N, K45N.
Identifiers: ClinVar variation 1436892 (VCV001436892.6), dbSNP rs773632216, ClinGen allele CA224178873.
Genomic context (GRCh38, chr11:67,608,558, plus strand): 5'-GTGTTGGGTCCCGGAGCAAGGTGTCCCCTTCATTGCCTTCCCTATTCTGTCCAGGCTGAA[A>C]GGTTCCCTGAGTCGAGGTGACTGGTACAAGACAAAGGAGATCCTGCTGAAGGGGCCCGAC-3'
Protein context (NP_009034.2, residues 44-64): NLYGRHDWRL[Lys54Asn]GSLSRGDWYK